The following is an entry in ClinVar:

ClinVar aggregate classification (germline): Uncertain significance (1 of 4 stars; one submission).

Submission:

Labcorp Genetics (formerly Invitae), Labcorp
Classification: Uncertain significance. Last evaluated: 2024-09-03. Review status: criteria provided, single submitter. Criteria: Invitae Variant Classification Sherloc (09022015). Collection method: clinical testing. Allele origin: germline.
Comment: This sequence change replaces glycine, which is neutral and non-polar, with serine, which is neutral and polar, at codon 13 of the SLC51B protein (p.Gly13Ser). This variant is not present in population databases (gnomAD no frequency). This variant has not been reported in the literature in individuals affected with SLC51B-related conditions. An algorithm developed to predict the effect of missense changes on protein structure and function outputs the following: PolyPhen-2: "Possibly Damaging". The serine amino acid residue is found in multiple mammalian species, which suggests that this missense change does not adversely affect protein function. In summary, the available evidence is currently insufficient to determine the role of this variant in disease. Therefore, it has been classified as a Variant of Uncertain Significance.

NM_178859.4(SLC51B):c.37G>A (p.Gly13Ser)

Genes: RASL12 (RAS like family 12; minus strand), SLC51B (SLC51 subunit beta; plus strand). Cytogenetic location: 15q22.31.
Variant type: single nucleotide variant.
Coding change: c.37G>A on transcript NM_178859.4 (MANE Select); coding-DNA position 37, G replaced by A.
Protein change: p.Gly13Ser; replaces glycine 13 with serine.
Molecular consequence: missense variant.
Genome position (GRCh38, 1-based): chr15:65,050,041, G>A. VCF-style: chr15-65050041-G-A. GRCh37 (hg19) VCF-style: chr15-65342379-G-A.
Other names: short protein forms G13S.
Identifiers: ClinVar variation 3673770 (VCV003673770.2).